The following is an entry in ClinVar:

ClinVar aggregate classification (germline): Uncertain significance (1 of 4 stars; one submission).

Conditions:
Norman-Roberts syndrome (LIS2). Also called: Lissencephaly 2 (Norman-Roberts type). Identifiers: Orphanet 89844, MedGen C0796089, MONDO:0009760, OMIM 257320.
Familial temporal lobe epilepsy 7. Identifiers: Orphanet 101046, MedGen C4225327, MONDO:0014639, OMIM 616436.

Submission:

Labcorp Genetics (formerly Invitae), Labcorp
Classification: Uncertain significance for Familial temporal lobe epilepsy 7; Norman-Roberts syndrome. Last evaluated: 2017-07-30. Review status: criteria provided, single submitter. Criteria: Invitae Variant Classification Sherloc (09022015). Collection method: clinical testing. Allele origin: germline.
Comment: This sequence change replaces valine with alanine at codon 826 of the RELN protein (p.Val826Ala). The valine residue is highly conserved and there is a small physicochemical difference between valine and alanine. This variant is not present in population databases (ExAC no frequency). This variant has not been reported in the literature in individuals with RELN-related disease. Algorithms developed to predict the effect of missense changes on protein structure and function do not agree on the potential impact of this missense change (SIFT: "Deleterious"; PolyPhen-2: "Benign"; Align-GVGD: "Class C0"). In summary, the available evidence is currently insufficient to determine the role of this variant in disease. Therefore, it has been classified as a Variant of Uncertain Significance.

NM_005045.4(RELN):c.2477T>C (p.Val826Ala)

Gene: RELN (reelin; minus strand). Cytogenetic location: 7q22.1.
Variant type: single nucleotide variant.
Coding change: c.2477T>C on transcript NM_005045.4 (MANE Select); coding-DNA position 2477, T replaced by C.
Protein change: p.Val826Ala; replaces valine 826 with alanine.
Molecular consequence: missense variant.
Genome position (GRCh38, 1-based): chr7:103,630,165, A>G on the plus strand (T>C on the coding strand, the complement: RELN is on the minus strand). VCF-style: chr7-103630165-A-G. GRCh37 (hg19) VCF-style: chr7-103270612-A-G.
Other names: c.2477T>C, p.Val826Ala (NM_173054.3); short protein forms V826A.
Identifiers: ClinVar variation 475953 (VCV000475953.8), dbSNP rs1554394300, ClinGen allele CA368759094.
Genomic context (GRCh38, chr7:103,630,165, plus strand): 5'-TGATACGGTTGCCACCATCTGAACTGAATTCCAAACTGCTTTGCATCACCTGGTAGTTCT[A>G]CGGAGATTATTCTAGAGAAAAAAAAAAAGTCAAAATTTAGATTATTTTGGTATCTTAAAA-3'
Protein context (NP_005036.2, residues 816-836): LSYHEPRIIS[Val826Ala]ELPGDAKQFG